The following is an entry in ClinVar:

NM_182961.4(SYNE1):c.10313A>T (p.Glu3438Val)

Gene: SYNE1 (spectrin repeat containing nuclear envelope protein 1; minus strand). Cytogenetic location: 6q25.2.
Variant type: single nucleotide variant.
Coding change: c.10313A>T on transcript NM_182961.4 (MANE Select); coding-DNA position 10313, A replaced by T.
Protein change: p.Glu3438Val; replaces glutamic acid 3438 with valine.
Molecular consequence: missense variant.
Genome position (GRCh38, 1-based): chr6:152,359,445, T>A on the plus strand (A>T on the coding strand, the complement: SYNE1 is on the minus strand). VCF-style: chr6-152359445-T-A. GRCh37 (hg19) VCF-style: chr6-152680580-T-A.
Other names: c.10334A>T, p.Glu3445Val (NM_033071.5); c.10313A>T (NM_182961.2); short protein forms E3438V, E3445V.
Identifiers: ClinVar variation 2436662 (VCV002436662.7), dbSNP rs745547865, ClinGen allele CA366128671.

ClinVar aggregate classification (germline): Uncertain significance. Review status: criteria provided, multiple submitters, no conflicts (2 of 4 stars). 3 submissions from 3 submitters: Uncertain significance (3). Last evaluated 2024-07-11.

Conditions:
Emery-Dreifuss muscular dystrophy 4, autosomal dominant (EDMD4). Also called: EMERY-DREIFUSS MUSCULAR DYSTROPHY 4 WITH VARIABLE FEATURES. Identifiers: Orphanet 261, MedGen C2751807, MONDO:0013071, OMIM 612998.
Autosomal recessive ataxia, Beauce type. Also called: ATAXIA, RECESSIVE, OF BEAUCE; SYNE1 Deficiency; Spinocerebellar ataxia, autosomal recessive 8; SYNE1-Related Autosomal Recessive Cerebellar Ataxia. Identifiers: Orphanet 88644, MedGen C1853116, MONDO:0012549, OMIM 610743.

Allele frequency attached by ClinVar (database versions not stated): TOPMed below 0.00001.
gnomAD v4.1: 1 of 1,614,216 alleles (0.000062%); no homozygotes.

Submissions (3):

Athena Diagnostics
Classification: Uncertain significance. Last evaluated: 2024-07-11. Review status: criteria provided, single submitter. Criteria: Athena Diagnostics Criteria. Collection method: clinical testing. Allele origin: unknown.
Comment: Available data are insufficient to determine the clinical significance of the variant at this time. This variant has not been reported in large, multi-ethnic general populations. Polyphen and MutationTaster yielded discordant predictions regarding whether this amino acid change is damaging to the protein.

Labcorp Genetics (formerly Invitae), Labcorp
Classification: Uncertain significance for Emery-Dreifuss muscular dystrophy 4, autosomal dominant; Autosomal recessive ataxia, Beauce type. Last evaluated: 2023-09-08. Review status: criteria provided, single submitter. Criteria: Invitae Variant Classification Sherloc (09022015). Collection method: clinical testing. Allele origin: germline.
Comment: This variant has not been reported in the literature in individuals affected with SYNE1-related conditions. ClinVar contains an entry for this variant (Variation ID: 2436662). An algorithm developed to predict the effect of missense changes on protein structure and function (PolyPhen-2) suggests that this variant is likely to be disruptive. In summary, the available evidence is currently insufficient to determine the role of this variant in disease. Therefore, it has been classified as a Variant of Uncertain Significance. This variant is not present in population databases (gnomAD no frequency). This sequence change replaces glutamic acid, which is acidic and polar, with valine, which is neutral and non-polar, at codon 3445 of the SYNE1 protein (p.Glu3445Val).

Revvity Omics, Revvity
Classification: Uncertain significance. Last evaluated: 2021-06-30. Review status: criteria provided, single submitter. Criteria: ACMG Guidelines, 2015. Collection method: clinical testing. Allele origin: germline.